The following is an entry in ClinVar:

NM_001358921.2(COQ2):c.865G>T (p.Ala289Ser)

Gene: COQ2 (coenzyme Q2, polyprenyltransferase; minus strand). Cytogenetic location: 4q21.23.
Variant type: single nucleotide variant.
Coding change: c.865G>T on transcript NM_001358921.2 (MANE Select); coding-DNA position 865, G replaced by T.
Protein change: p.Ala289Ser; replaces alanine 289 with serine.
Molecular consequence: missense variant.
Genome position (GRCh38, 1-based): chr4:83,267,672, C>A on the plus strand (G>T on the coding strand, the complement: COQ2 is on the minus strand). VCF-style: chr4-83267672-C-A. GRCh37 (hg19) VCF-style: chr4-84188825-C-A.
Other names: c.1015G>T, p.Ala339Ser (NM_015697.9); short protein forms A339S, A289S.
Identifiers: ClinVar variation 2190331 (VCV002190331.1), dbSNP rs767032541, ClinGen allele CA357229055.

ClinVar aggregate classification (germline): Uncertain significance (1 of 4 stars; one submission).

gnomAD v4.1: 29 of 1,568,368 alleles (0.0018%); highest among the groups gnomAD compares: Non-Finnish European, 0.0024%; no homozygotes.

Submission:

Labcorp Genetics (formerly Invitae), Labcorp
Classification: Uncertain significance. Last evaluated: 2022-03-01. Review status: criteria provided, single submitter. Criteria: Invitae Variant Classification Sherloc (09022015). Collection method: clinical testing. Allele origin: germline.
Comment: This sequence change replaces alanine, which is neutral and non-polar, with serine, which is neutral and polar, at codon 339 of the COQ2 protein (p.Ala339Ser). The frequency data for this variant in the population databases is considered unreliable, as metrics indicate poor data quality at this position in the gnomAD database. This variant has not been reported in the literature in individuals affected with COQ2-related conditions. Algorithms developed to predict the effect of missense changes on protein structure and function (SIFT, PolyPhen-2, Align-GVGD) all suggest that this variant is likely to be tolerated. In summary, the available evidence is currently insufficient to determine the role of this variant in disease. Therefore, it has been classified as a Variant of Uncertain Significance.